The following is an entry in ClinVar:

NM_001165967.2(HES7):c.400_409dup (p.Arg137fs)

Gene: HES7 (hes family bHLH transcription factor 7; minus strand). Cytogenetic location: 17p13.1.
Variant type: Duplication.
Coding change: c.400_409dup on transcript NM_001165967.2 (MANE Select); coding-DNA positions 400 to 409, 10 bases duplicated (AAACCGCCCC; older notation c.400_409dupAAACCGCCCC).
Protein change: p.Arg137fs; shifts the reading frame from arginine 137.
Molecular consequence: frameshift variant.
Genome position (GRCh38, 1-based): chr17:8,121,855-8,121,864, GGGGCGGTTT duplicated on the plus strand (AAACCGCCCC on the coding strand, the reverse complement: HES7 is on the minus strand); duplicating any 10 consecutive bases within chr17:8,121,855-8,121,870 gives the same sequence; the c. name uses the placement nearest the transcript's 3' end. VCF-style (leftmost placement, unchanged base first): chr17-8121854-C-CGGGGCGGTTT. GRCh37 (hg19) VCF-style: chr17-8025172-C-CGGGGCGGTTT.
Other names: c.385_394dup, p.Arg132fs (NM_032580.4); short protein forms R132fs, R137fs.
Identifiers: ClinVar variation 91404 (VCV000091404.9), dbSNP rs398122970, ClinGen allele CA145465.

ClinVar aggregate classification (germline): Likely pathogenic. Review status: criteria provided, single submitter (1 of 4 stars). 2 submissions from 2 submitters: Likely pathogenic (1). 1 of the submissions does not count toward it. Last evaluated 2021-08-04.

Conditions:
Spondylocostal dysostosis 4, autosomal recessive (SCDO4). Also called: HES7-Related Spondylocostal Dysostosis, Autosomal Recessive. Identifiers: Orphanet 2311, MedGen C3150942, MONDO:0013366, OMIM 613686.

Submissions (2):

Labcorp Genetics (formerly Invitae), Labcorp
Classification: Likely pathogenic. Last evaluated: 2021-08-04. Review status: criteria provided, single submitter. Criteria: Invitae Variant Classification Sherloc (09022015). Collection method: clinical testing. Allele origin: germline.
Comment: This premature translational stop signal has been observed in individual(s) with spondylocostal dysostosis (PMID: 23897666; Invitae). It has also been observed to segregate with disease in related individuals. This variant is not present in population databases (ExAC no frequency). This sequence change creates a premature translational stop signal (p.Arg132Glnfs*42) in the HES7 gene. While this is not anticipated to result in nonsense mediated decay, it is expected to disrupt the last 94 amino acid(s) of the HES7 protein. This variant is also known as c.400_409dupAAACCGCCCC (p.Arg137GlnfsX42). In summary, the currently available evidence indicates that the variant is pathogenic, but additional data are needed to prove that conclusively. Therefore, this variant has been classified as Likely Pathogenic. Experimental studies have shown that this premature translational stop signal affects HES7 protein function (PMID: 23897666). Algorithms developed to predict the effect of variants on protein structure and function are not available or were not evaluated for this variant. ClinVar contains an entry for this variant (Variation ID: 91404).

OMIM
Classification: Pathogenic for SPONDYLOCOSTAL DYSOSTOSIS 4. Last evaluated: 2013-09-01. Review status: no assertion criteria provided. Collection method: literature only. Allele origin: germline. Not counted in ClinVar's aggregate classification.

Literature cited by the submitters: PubMed 23897666 (cited by Labcorp Genetics (formerly Invitae), Labcorp and OMIM).